The following is an entry in ClinVar:

NM_001754.5(RUNX1):c.827C>T (p.Ser276Phe)

Gene: RUNX1 (RUNX family transcription factor 1; minus strand). Cytogenetic location: 21q22.12.
Variant type: single nucleotide variant.
Coding change: c.827C>T on transcript NM_001754.5 (MANE Select); coding-DNA position 827, C replaced by T.
Protein change: p.Ser276Phe; replaces serine 276 with phenylalanine.
Molecular consequence: missense variant.
Genome position (GRCh38, 1-based): chr21:34,799,441, G>A on the plus strand (C>T on the coding strand, the complement: RUNX1 is on the minus strand). VCF-style: chr21-34799441-G-A. GRCh37 (hg19) VCF-style: chr21-36171738-G-A.
Other names: c.746C>T, p.Ser249Phe (NM_001001890.3); short protein forms S276F, S249F.
Identifiers: ClinVar variation 4719231 (VCV004719231.1).

ClinVar aggregate classification (germline): Uncertain significance (1 of 4 stars; one submission).

Conditions:
Hereditary thrombocytopenia and hematological cancer predisposition syndrome associated with RUNX1. Also called: Familial Platelet Disorder with Propensity to Acute Myelogenous Leukemia; Familial thrombocytopenia with propensity to acute myelogenous leukemia; PLATELET DISORDER, ASPIRIN-LIKE; RUNX1 Familial Platelet Disorder with Associated Myeloid Malignancies. Identifiers: Orphanet 71290, MedGen C1832388, MeSH C563324, MONDO:0100083, OMIM 601399.

Submission:

Labcorp Genetics (formerly Invitae), Labcorp
Classification: Uncertain significance for Hereditary thrombocytopenia and hematological cancer predisposition syndrome associated with RUNX1. Last evaluated: 2025-07-05. Review status: criteria provided, single submitter. Criteria: Invitae Variant Classification Sherloc (09022015). Collection method: clinical testing. Allele origin: germline.
Comment: This sequence change replaces serine, which is neutral and polar, with phenylalanine, which is neutral and non-polar, at codon 276 of the RUNX1 protein (p.Ser276Phe). This variant is not present in population databases (gnomAD no frequency). This variant has not been reported in the literature in individuals affected with RUNX1-related conditions. Invitae Evidence Modeling of protein sequence and biophysical properties (such as structural, functional, and spatial information, amino acid conservation, physicochemical variation, residue mobility, and thermodynamic stability) has been performed for this missense variant. However, the output from this modeling did not meet the statistical confidence thresholds required to predict the impact of this variant on RUNX1 protein function. In summary, the available evidence is currently insufficient to determine the role of this variant in disease. Therefore, it has been classified as a Variant of Uncertain Significance.